The following is an entry in ClinVar:

NM_003072.5(SMARCA4):c.1774G>T (p.Ala592Ser)

Gene: SMARCA4 (SWI/SNF related BAF chromatin remodeling complex subunit ATPase 4; plus strand). Cytogenetic location: 19p13.2.
Variant type: single nucleotide variant.
Coding change: c.1774G>T on transcript NM_003072.5 (MANE Select); coding-DNA position 1774, G replaced by T.
Protein change: p.Ala592Ser; replaces alanine 592 with serine.
Molecular consequence: missense variant. On other transcripts: non-coding transcript variant (1).
Genome position (GRCh38, 1-based): chr19:10,996,506, G>T. VCF-style: chr19-10996506-G-T. GRCh37 (hg19) VCF-style: chr19-11107182-G-T.
Other names: c.1774G>T, p.Ala592Ser (NM_001128846.2, NM_001128847.4, NM_001128844.3 and 6 more transcripts); short protein forms A592S.
Identifiers: ClinVar variation 2452847 (VCV002452847.2), dbSNP rs1257518561, ClinGen allele CA404064759.

ClinVar aggregate classification (germline): Uncertain significance (1 of 4 stars; one submission).

Conditions:
Hereditary cancer-predisposing syndrome. Also called: Neoplastic Syndromes, Hereditary; Tumor predisposition; Hereditary neoplastic syndrome; Hereditary Cancer Syndrome. Identifiers: Orphanet 140162, MedGen C0027672, MeSH D009386, MONDO:0015356.

Submission:

Ambry Genetics
Classification: Uncertain significance for Hereditary cancer-predisposing syndrome. Last evaluated: 2022-12-06. Review status: criteria provided, single submitter. Criteria: Ambry Variant Classification Scheme 2023. Collection method: clinical testing. Allele origin: germline.
Comment: The p.A592S variant (also known as c.1774G>T), located in coding exon 10 of the SMARCA4 gene, results from a G to T substitution at nucleotide position 1774. The alanine at codon 592 is replaced by serine, an amino acid with similar properties. Missense and in-frame variants in SMARCA4 are known to cause neurodevelopmental disorders; however, such associations with rhabdoid tumor predisposition syndrome including small cell carcinoma of the ovary-hypercalcemic type (SCCOHT) are exceedingly rare (Kosho T et al. Am J Med Genet C Semin Med Genet. 2014 Sep;166C(3):262-75; Jelinic P et al. Nat Genet. 2014 May;46(5):424-6). This amino acid position is not well conserved in available vertebrate species. In addition, this alteration is predicted to be tolerated by in silico analysis. Based on the supporting evidence, the association of this alteration with Coffin-Siris syndrome is unknown; however, the association of this alteration with rhabdoid tumor predisposition syndrome is unlikely.